The following is an entry in ClinVar:

NM_002474.3(MYH11):c.3650G>A (p.Arg1217Lys)

Gene: MYH11 (myosin heavy chain 11; minus strand). Cytogenetic location: 16p13.11.
Variant type: single nucleotide variant.
Coding change: c.3650G>A on transcript NM_002474.3 (MANE Select); coding-DNA position 3650, G replaced by A.
Protein change: p.Arg1217Lys; replaces arginine 1217 with lysine.
Molecular consequence: missense variant.
Genome position (GRCh38, 1-based): chr16:15,732,565, C>T on the plus strand (G>A on the coding strand, the complement: MYH11 is on the minus strand). VCF-style: chr16-15732565-C-T. GRCh37 (hg19) VCF-style: chr16-15826422-C-T.
Other names: c.3671G>A, p.Arg1224Lys (NM_001040113.2, NM_001040114.2); c.3650G>A, p.Arg1217Lys (NM_022844.3); short protein forms R1217K, R1224K.
Identifiers: ClinVar variation 926091 (VCV000926091.3), dbSNP rs2040997545, ClinGen allele CA394860967.

ClinVar aggregate classification (germline): Uncertain significance (1 of 4 stars; one submission).

Conditions:
Familial thoracic aortic aneurysm and aortic dissection (TAAD). Also called: Thoracic aortic aneurysms and dissections. Identifiers: Orphanet 91387, MedGen C4707243, MONDO:0019625.

Allele frequency attached by ClinVar (database versions not stated): gnomAD exomes below 0.00001.
gnomAD v4.1: 1 of 1,614,278 alleles (0.000062%); highest among the groups gnomAD compares: Non-Finnish European, 0.000085%; no homozygotes.

Submission:

Color Diagnostics, LLC DBA Color Health
Classification: Uncertain significance for Familial thoracic aortic aneurysm and aortic dissection. Last evaluated: 2018-12-11. Review status: criteria provided, single submitter. Criteria: ACMG Guidelines, 2015. Collection method: clinical testing. Allele origin: germline.
Comment: Variant of Uncertain Significance due to insufficient evidence: This variant is located in the coiled coil myosin tail domain of the MYH11 protein. Computational prediction tools and conservation analyses are inconclusive regarding the impact of this variant on the protein function. Computational splicing tools suggest that this variant may not impact RNA splicing. To our knowledge, functional assays have not been performed for this variant nor has this variant been reported in individuals affected with cardiovascular disorders in the literature. This variant is rare in the general population and has been identified in 0/277264 chromosomes by the Genome Aggregation Database (gnomAD). Available evidence is insufficient to determine the pathogenicity of this variant conclusively.